The following is an entry in ClinVar:

ClinVar aggregate classification (germline): Uncertain significance. Review status: criteria provided, multiple submitters, no conflicts (2 of 4 stars). 2 submissions from 2 submitters: Uncertain significance (2). Last evaluated 2024-02-03.

Conditions:
Hereditary pancreatitis (PCTT). Also called: PRSS1-Related Hereditary Pancreatitis; Hereditary chronic pancreatitis. Identifiers: Orphanet 676, MedGen C0238339, MONDO:0008185, OMIM 167800.

Submissions (2):

Ambry Genetics
Classification: Uncertain significance for Hereditary pancreatitis. Last evaluated: 2024-02-03. Review status: criteria provided, single submitter. Criteria: Ambry Variant Classification Scheme 2023. Collection method: clinical testing. Allele origin: germline.
Comment: The p.E57G variant (also known as c.170A>G), located in coding exon 3 of the SPINK1 gene, results from an A to G substitution at nucleotide position 170. The glutamic acid at codon 57 is replaced by glycine, an amino acid with similar properties. This amino acid position is conserved. In addition, this alteration is predicted to be deleterious by in silico analysis. Based on the available evidence, the clinical significance of this alteration remains unclear.

Labcorp Genetics (formerly Invitae), Labcorp
Classification: Uncertain significance for Hereditary pancreatitis. Last evaluated: 2023-02-25. Review status: criteria provided, single submitter. Criteria: Invitae Variant Classification Sherloc (09022015). Collection method: clinical testing. Allele origin: germline.
Comment: In summary, the available evidence is currently insufficient to determine the role of this variant in disease. Therefore, it has been classified as a Variant of Uncertain Significance. An algorithm developed to predict the effect of missense changes on protein structure and function (PolyPhen-2) suggests that this variant is likely to be disruptive. This variant has not been reported in the literature in individuals affected with SPINK1-related conditions. This variant is not present in population databases (gnomAD no frequency). This sequence change replaces glutamic acid, which is acidic and polar, with glycine, which is neutral and non-polar, at codon 57 of the SPINK1 protein (p.Glu57Gly).

NM_001379610.1(SPINK1):c.170A>G (p.Glu57Gly)

Gene: SPINK1 (serine peptidase inhibitor Kazal type 1; minus strand). Cytogenetic location: 5q32.
Variant type: single nucleotide variant.
Coding change: c.170A>G on transcript NM_001379610.1 (MANE Select); coding-DNA position 170, A replaced by G.
Protein change: p.Glu57Gly; replaces glutamic acid 57 with glycine.
Molecular consequence: missense variant.
Genome position (GRCh38, 1-based): chr5:147,828,046, T>C on the plus strand (A>G on the coding strand, the complement: SPINK1 is on the minus strand). VCF-style: chr5-147828046-T-C. GRCh37 (hg19) VCF-style: chr5-147207609-T-C.
Other names: c.170A>G, p.Glu57Gly (NM_001354966.2, NM_003122.5); c.170A>G (NM_003122.3); short protein forms E57G.
Identifiers: ClinVar variation 2739208 (VCV002739208.4), dbSNP rs777412858, ClinGen allele CA361885213.